The following is an entry in ClinVar:

NM_145038.5(DRC1):c.98A>G (p.Gln33Arg)

Gene: DRC1 (dynein regulatory complex subunit 1; plus strand). Cytogenetic location: 2p23.3.
Variant type: single nucleotide variant.
Coding change: c.98A>G on transcript NM_145038.5 (MANE Select); coding-DNA position 98, A replaced by G.
Protein change: p.Gln33Arg; replaces glutamine 33 with arginine.
Molecular consequence: missense variant.
Genome position (GRCh38, 1-based): chr2:26,402,087, A>G. VCF-style: chr2-26402087-A-G. GRCh37 (hg19) VCF-style: chr2-26624955-A-G.
Other names: p.Gln33Arg; short protein forms Q33R.
Identifiers: ClinVar variation 2854014 (VCV002854014.5), dbSNP rs200121746, ClinGen allele CA1561744.

ClinVar aggregate classification (germline): Conflicting classifications of pathogenicity. Review status: criteria provided, conflicting classifications (1 of 4 stars). 3 submissions from 3 submitters: Uncertain significance (1); Likely benign (2). Last evaluated 2025-12-05.

Conditions:
Primary ciliary dyskinesia. Also called: Ciliary dyskinesia. Identifiers: Orphanet 244, MedGen C0008780, MONDO:0016575, HP:0012265.

Allele frequency attached by ClinVar (database versions not stated): TOPMed 0.00007; 1000 Genomes Project 30x 0.00016; 1000 Genomes Project 0.00020; gnomAD exomes 0.00030; gnomAD 0.00050; ExAC 0.00061.
gnomAD v4.1: 515 of 1,613,026 alleles (0.032%); highest among the groups gnomAD compares: Non-Finnish European, 0.011%; no homozygotes.

Submissions (3):

Mayo Clinic Laboratories, Mayo Clinic
Classification: Likely benign. Last evaluated: 2025-12-05. Review status: criteria provided, single submitter. Criteria: ACMG Guidelines, 2015. Collection method: clinical testing. Allele origin: germline. Observed: 1 variant allele.
Comment: BS1, BP4_moderate

Labcorp Genetics (formerly Invitae), Labcorp
Classification: Likely benign for Primary ciliary dyskinesia. Last evaluated: 2025-11-03. Review status: criteria provided, single submitter. Criteria: Invitae Variant Classification Sherloc (09022015). Collection method: clinical testing. Allele origin: germline.

Blueprint Genetics
Classification: Uncertain significance. Last evaluated: 2024-11-21. Review status: criteria provided, single submitter. Criteria: ACMG Guidelines, 2015. Collection method: clinical testing. Allele origin: germline.